The following is an entry in ClinVar:

NM_153240.5(NPHP3):c.2883+8C>G

Genes: NPHP3 (nephrocystin 3; minus strand), NPHP3-ACAD11 (NPHP3-ACAD11 readthrough (NMD candidate); minus strand). Cytogenetic location: 3q22.1.
Variant type: single nucleotide variant.
Coding change: c.2883+8C>G on transcript NM_153240.5 (MANE Select); 8 bases into the intron after coding-DNA position 2883, C replaced by G.
Molecular consequence: intron variant.
Genome position (GRCh38, 1-based): chr3:132,689,066, G>C on the plus strand (C>G on the coding strand, the complement: NPHP3 is on the minus strand). VCF-style: chr3-132689066-G-C. GRCh37 (hg19) VCF-style: chr3-132407910-G-C.
Other names: c.2883+8C>G (NM_153240.4).
Identifiers: ClinVar variation 1093349 (VCV001093349.10), dbSNP rs373257282, ClinGen allele CA2621907.

ClinVar aggregate classification (germline): Likely benign. Review status: criteria provided, multiple submitters, no conflicts (2 of 4 stars). 2 submissions from 2 submitters: Likely benign (2). Last evaluated 2024-12-02.

Conditions:
NPHP3-related disorder. Also called: NPHP3-related disorders; NPHP3-related condition. Identifiers: MedGen CN379163.
Nephronophthisis. Also called: Juvenile Nephronophthisis. Identifiers: Orphanet 655, MedGen C0687120, MONDO:0019005, HP:0000090.

Allele frequency attached by ClinVar (database versions not stated): ExAC 0.00001; gnomAD exomes 0.00001; TOPMed 0.00006; ESP Exome Variant Server 0.00008.

Submissions (2):

PreventionGenetics, part of Exact Sciences
Classification: Likely benign for NPHP3-related condition. Last evaluated: 2024-12-02. Review status: criteria provided, single submitter. Criteria: ACMG Guidelines, 2015. Collection method: clinical testing. Allele origin: germline.
Comment: This variant is classified as likely benign based on ACMG/AMP sequence variant interpretation guidelines (Richards et al. 2015 PMID: 25741868, with internal and published modifications).

Labcorp Genetics (formerly Invitae), Labcorp
Classification: Likely benign for Nephronophthisis. Last evaluated: 2024-10-30. Review status: criteria provided, single submitter. Criteria: Invitae Variant Classification Sherloc (09022015). Collection method: clinical testing. Allele origin: germline.